The following is an entry in ClinVar:

NM_003126.4(SPTA1):c.2654G>A (p.Arg885His)

Gene: SPTA1 (spectrin alpha, erythrocytic 1; minus strand). Cytogenetic location: 1q23.1.
Variant type: single nucleotide variant.
Coding change: c.2654G>A on transcript NM_003126.4 (MANE Select); coding-DNA position 2654, G replaced by A.
Protein change: p.Arg885His; replaces arginine 885 with histidine.
Molecular consequence: missense variant.
Genome position (GRCh38, 1-based): chr1:158,657,628, C>T on the plus strand (G>A on the coding strand, the complement: SPTA1 is on the minus strand). VCF-style: chr1-158657628-C-T. GRCh37 (hg19) VCF-style: chr1-158627418-C-T.
Other names: short protein forms R885H.
Identifiers: ClinVar variation 293009 (VCV000293009.7), dbSNP rs370989483, ClinGen allele CA1183320.
Genomic context (GRCh38, chr1:158,657,628, plus strand): 5'-AGGTACTGCTGGAACTGGACATTGGCTTCAAGATCATTTTGTCGCCTAGCAGCTCGAGCA[C>T]GGAGAGACTCCATATTCTGGTTCAAACTCTTGACCCTAGAGGCCACATCTTCTGCAGCAA-3'
Protein context (NP_003117.2, residues 875-895): KSLNQNMESL[Arg885His]ARAARRQNDL

ClinVar aggregate classification (germline): Conflicting classifications of pathogenicity. Review status: criteria provided, conflicting classifications (1 of 4 stars). 5 submissions from 3 submitters: Uncertain significance (4); Likely benign (1). Last evaluated 2025-12-21.

Conditions:
Pyropoikilocytosis, hereditary. Also called: Pyropoikilocytosis. Identifiers: MedGen C0520739, MONDO:0009948, OMIM 266140, HP:0004839. Disease mechanism: loss of function.
Elliptocytosis 2 (EL2). Also called: ELLIPTOCYTOSIS, RHESUS-UNLINKED TYPE. Identifiers: Orphanet 288, MedGen C1851741, MONDO:0007533, OMIM 130600.
Hereditary spherocytosis type 3. Also called: Spherocytosis type 3; SPTA1-Related Spherocytosis. Identifiers: Orphanet 822, MedGen C2678338, MONDO:0010053, OMIM 270970.

Allele frequency attached by ClinVar (database versions not stated): ExAC 0.00007; gnomAD exomes 0.00009 and 0.00023; TOPMed 0.00012; gnomAD 0.00015 and 0.00016; ESP Exome Variant Server 0.00040.
gnomAD v4.1: 353 of 1,614,076 alleles (0.022%); highest among the groups gnomAD compares: Middle Eastern, 0.033%; 1 homozygote.

Submissions (5):

Labcorp Genetics (formerly Invitae), Labcorp
Classification: Likely benign. Last evaluated: 2025-12-21. Review status: criteria provided, single submitter. Criteria: Invitae Variant Classification Sherloc (09022015). Collection method: clinical testing. Allele origin: germline.

ARUP Laboratories, Molecular Genetics and Genomics, ARUP Laboratories
Classification: Uncertain significance. Last evaluated: 2025-02-20. Review status: criteria provided, single submitter. Criteria: ARUP Molecular Germline Variant Investigation Process 2024. Collection method: clinical testing. Allele origin: germline.
Comment: The SPTA1 c.2654G>A; p.Arg885His variant (rs370989483), to our knowledge, is not reported in the medical literature but is reported in ClinVar (Variation ID: 293009). This variant is found in the general population with an overall allele frequency of 0.009% (25/280840 alleles) in the Genome Aggregation Database (v2.1.1). Computational analyses predict that this variant is neutral (REVEL: 0.119). Due to limited information, the clinical significance of this variant is uncertain at this time.

Illumina Laboratory Services, Illumina
Classification: Uncertain significance for Pyropoikilocytosis, hereditary. Last evaluated: 2018-01-13. Review status: criteria provided, single submitter. Criteria: ICSL Variant Classification Criteria 13 December 2019. Collection method: clinical testing. Allele origin: germline.

Illumina Laboratory Services, Illumina
Classification: Uncertain significance for Hereditary spherocytosis type 3. Last evaluated: 2018-01-13. Review status: criteria provided, single submitter. Criteria: ICSL Variant Classification Criteria 13 December 2019. Collection method: clinical testing. Allele origin: germline.

Illumina Laboratory Services, Illumina
Classification: Uncertain significance for Elliptocytosis 2. Last evaluated: 2018-01-13. Review status: criteria provided, single submitter. Criteria: ICSL Variant Classification Criteria 13 December 2019. Collection method: clinical testing. Allele origin: germline.